The following is an entry in ClinVar:

ClinVar aggregate classification (germline): Pathogenic (1 of 4 stars; one submission).

Submission:

Labcorp Genetics (formerly Invitae), Labcorp
Classification: Pathogenic. Last evaluated: 2018-09-05. Review status: criteria provided, single submitter. Criteria: Invitae Variant Classification Sherloc (09022015). Collection method: clinical testing. Allele origin: germline.
Comment: For these reasons, this variant has been classified as Pathogenic. Loss-of-function variants in MYO7A are known to be pathogenic (PMID: 8900236). This variant has not been reported in the literature in individuals with MYO7A-related disease. This variant is an out-of-frame deletion of the genomic region encompassing exons 15-19 of the MYO7A gene. This is expected to create a premature translational stop signal and result in an absent or disrupted protein product.

Literature cited by the submitters: PubMed 8900236.

NC_000011.10:g.(?_77166046)_(77177653_?)del

Gene: MYO7A (myosin VIIA; plus strand). Cytogenetic location: 11q13.5.
Variant type: Deletion.
Identifiers: ClinVar variation 653517 (VCV000653517.5).